The following is an entry in ClinVar:

NM_001377540.1(SLMAP):c.1393T>C (p.Ser465Pro)

Gene: SLMAP (sarcolemma associated protein; plus strand). Cytogenetic location: 3p14.3.
Variant type: single nucleotide variant.
Coding change: c.1393T>C on transcript NM_001377540.1 (MANE Select); coding-DNA position 1393, T replaced by C.
Protein change: p.Ser465Pro; replaces serine 465 with proline.
Molecular consequence: missense variant. On other transcripts: 5 prime UTR variant (7), non-coding transcript variant (1).
Genome position (GRCh38, 1-based): chr3:57,896,543, T>C. VCF-style: chr3-57896543-T-C. GRCh37 (hg19) VCF-style: chr3-57882270-T-C.
Other names: c.1342T>C, p.Ser448Pro (NM_001304420.3, NM_001377541.1, NM_001377542.1 and 2 more transcripts); c.1228T>C, p.Ser410Pro (NM_001304421.2, NM_001377557.1, NM_001377559.1 and 1 more transcripts); c.-57T>C (NM_001304422.3, NM_001304423.3, NM_001311178.2 and 4 more transcripts); c.1393T>C, p.Ser465Pro (NM_001377538.1, NM_001377539.1, NM_001377555.1); c.1330T>C, p.Ser444Pro (NM_001377545.1, NM_001377922.1); c.1291T>C, p.Ser431Pro (NM_001377549.1, NM_001377923.1, NM_007159.5); c.1279T>C, p.Ser427Pro (NM_001377551.1, NM_001377552.1, NM_001377924.1); short protein forms S444P, S427P, S410P, S431P, S448P, S465P.
Identifiers: ClinVar variation 3798753 (VCV003798753.1).
Genomic context (GRCh38, chr3:57,896,543, plus strand): 5'-GATTTTACTTTTATTTTTTTCTTGGTAGAAAATCAGACAAGAGCAAAAGAATCTGATTTT[T>C]CAGATACTCTGAGTCCAAGCAAGGAAAAAAGCAGTGACGACACTACAGGTGAGTTTTAAC-3'
Protein context (NP_001364469.1, residues 455-475): NQTRAKESDF[Ser465Pro]DTLSPSKEKS

ClinVar aggregate classification (germline): Uncertain significance (1 of 4 stars; one submission).

Submission:

Ambry Genetics
Classification: Uncertain significance. Last evaluated: 2025-03-04. Review status: criteria provided, single submitter. Criteria: Ambry Variant Classification Scheme 2023. Collection method: clinical testing. Allele origin: germline.
Comment: The p.S431P variant (also known as c.1291T>C), located in coding exon 13 of the SLMAP gene, results from a T to C substitution at nucleotide position 1291. The serine at codon 431 is replaced by proline, an amino acid with similar properties. This amino acid position is conserved. In addition, this alteration is predicted to be deleterious by in silico analysis. Based on the available evidence, the clinical significance of this variant remains unclear.